The following is an entry in ClinVar:

ClinVar aggregate classification (germline): Uncertain significance (1 of 4 stars; one submission).

Submission:

GeneDx
Classification: Uncertain significance. Last evaluated: 2025-08-05. Review status: criteria provided, single submitter. Criteria: GeneDx Variant Classification Process June 2021. Collection method: clinical testing. Allele origin: germline. Affected: yes.
Comment: Not observed at significant frequency in large population cohorts (gnomAD); In silico analysis suggests that this missense variant does not alter protein structure/function; Has not been previously published as pathogenic or benign to our knowledge

NM_015021.3(ZNF292):c.7267C>G (p.Leu2423Val)

Gene: ZNF292 (zinc finger protein 292; plus strand). Cytogenetic location: 6q14.3.
Variant type: single nucleotide variant.
Coding change: c.7267C>G on transcript NM_015021.3 (MANE Select); coding-DNA position 7267, C replaced by G.
Protein change: p.Leu2423Val; replaces leucine 2423 with valine.
Molecular consequence: missense variant.
Genome position (GRCh38, 1-based): chr6:87,260,896, C>G. VCF-style: chr6-87260896-C-G. GRCh37 (hg19) VCF-style: chr6-87970614-C-G.
Other names: c.6847C>G, p.Leu2283Val (NM_001351444.2); short protein forms L2283V, L2423V.
Identifiers: ClinVar variation 4756096 (VCV004756096.1).
Genomic context (GRCh38, chr6:87,260,896, plus strand): 5'-ATAATTAGACATTATAAGTGCCATAAATTATCTAAGGCATTTACATCACAACACCGAAAT[C>G]TTCTTATTGTATTCAAACGGTGTTGCAACTCACAAGTAAAGGAAACGTCTGAGCAAGAAG-3'
Protein context (NP_055836.1, residues 2413-2433): SKAFTSQHRN[Leu2423Val]LIVFKRCCNS